The following is an entry in ClinVar:

NM_006231.4(POLE):c.6026A>G (p.His2009Arg)

Gene: POLE (DNA polymerase epsilon, catalytic subunit; minus strand). Cytogenetic location: 12q24.33.
Variant type: single nucleotide variant.
Coding change: c.6026A>G on transcript NM_006231.4 (MANE Select); coding-DNA position 6026, A replaced by G.
Protein change: p.His2009Arg; replaces histidine 2009 with arginine.
Molecular consequence: missense variant.
Genome position (GRCh38, 1-based): chr12:132,632,774, T>C on the plus strand (A>G on the coding strand, the complement: POLE is on the minus strand). VCF-style: chr12-132632774-T-C. GRCh37 (hg19) VCF-style: chr12-133209360-T-C.
Other names: c.6026A>G (NM_006231.2); short protein forms H2009R.
Identifiers: ClinVar variation 649852 (VCV000649852.9), dbSNP rs1593709210, ClinGen allele CA387370860.

ClinVar aggregate classification (germline): Uncertain significance. Review status: criteria provided, multiple submitters, no conflicts (2 of 4 stars). 2 submissions from 2 submitters: Uncertain significance (2). Last evaluated 2024-08-26.

Conditions:
Hereditary cancer-predisposing syndrome. Also called: Neoplastic Syndromes, Hereditary; Tumor predisposition; Hereditary Cancer Syndrome; Hereditary neoplastic syndrome. Identifiers: Orphanet 140162, MedGen C0027672, MeSH D009386, MONDO:0015356.

Submissions (2):

Ambry Genetics
Classification: Uncertain significance for Hereditary cancer-predisposing syndrome. Last evaluated: 2024-08-26. Review status: criteria provided, single submitter. Criteria: Ambry Variant Classification Scheme 2023. Collection method: clinical testing. Allele origin: germline.
Comment: The p.H2009R variant (also known as c.6026A>G), located in coding exon 44 of the POLE gene, results from an A to G substitution at nucleotide position 6026. The histidine at codon 2009 is replaced by arginine, an amino acid with highly similar properties. This amino acid position is conserved. In addition, this alteration is predicted to be tolerated by in silico analysis. Based on the available evidence, the clinical significance of this variant remains unclear.

Labcorp Genetics (formerly Invitae), Labcorp
Classification: Uncertain significance. Last evaluated: 2021-04-23. Review status: criteria provided, single submitter. Criteria: Invitae Variant Classification Sherloc (09022015). Collection method: clinical testing. Allele origin: germline.
Comment: This sequence change replaces histidine with arginine at codon 2009 of the POLE protein (p.His2009Arg). The histidine residue is moderately conserved and there is a small physicochemical difference between histidine and arginine. This variant is not present in population databases (ExAC no frequency). In summary, the available evidence is currently insufficient to determine the role of this variant in disease. Therefore, it has been classified as a Variant of Uncertain Significance. Algorithms developed to predict the effect of missense changes on protein structure and function (SIFT, PolyPhen-2, Align-GVGD) all suggest that this variant is likely to be tolerated, but these predictions have not been confirmed by published functional studies and their clinical significance is uncertain. This variant has not been reported in the literature in individuals with POLE-related conditions.